The following is an entry in ClinVar:

ClinVar aggregate classification (germline): Uncertain significance (1 of 4 stars; one submission).

Conditions:
Spermatogenic failure 45. Identifiers: MedGen C5436791, MONDO:0033671, OMIM 619094.

gnomAD v4.1: 3 of 1,611,866 alleles (0.00019%); highest among the groups gnomAD compares: East Asian, 0.0022%; no homozygotes.

Submission:

Juno Genomics, Hangzhou Juno Genomics, Inc
Classification: Uncertain significance for Spermatogenic failure 45. Review status: criteria provided, single submitter. Criteria: ACMG Guidelines, 2015. Collection method: clinical testing. Allele origin: germline.
Comment: Absent from controls (or at extremely low frequency if recessive) in Genome Aggregation Database.;Multiple lines of computational evidence support a deleterious effect on the gene or gene product.

NM_020877.5(DNAH2):c.6603+28C>T

Gene: DNAH2 (dynein axonemal heavy chain 2; plus strand). Cytogenetic location: 17p13.1.
Variant type: single nucleotide variant.
Coding change: c.6603+28C>T on transcript NM_020877.5 (MANE Select); 28 bases into the intron after coding-DNA position 6603, C replaced by T.
Molecular consequence: intron variant.
Genome position (GRCh38, 1-based): chr17:7,787,061, C>T. VCF-style: chr17-7787061-C-T. GRCh37 (hg19) VCF-style: chr17-7690379-C-T.
Identifiers: ClinVar variation 5005823 (VCV005005823.2).